The following is an entry in ClinVar:

NM_001197104.2(KMT2A):c.10994A>T (p.Glu3665Val)

Gene: KMT2A (lysine methyltransferase 2A; plus strand). Cytogenetic location: 11q23.3.
Variant type: single nucleotide variant.
Coding change: c.10994A>T on transcript NM_001197104.2 (MANE Select); coding-DNA position 10994, A replaced by T.
Protein change: p.Glu3665Val; replaces glutamic acid 3665 with valine.
Molecular consequence: missense variant.
Genome position (GRCh38, 1-based): chr11:118,510,041, A>T. VCF-style: chr11-118510041-A-T. GRCh37 (hg19) VCF-style: chr11-118380756-A-T.
Other names: c.11084A>T, p.Glu3695Val (NM_001412597.1); c.10985A>T, p.Glu3662Val (NM_005933.4); short protein forms E3662V, E3665V, E3695V.
Identifiers: ClinVar variation 2701200 (VCV002701200.3), dbSNP rs2497054194, ClinGen allele CA382829855.

ClinVar aggregate classification (germline): Uncertain significance (1 of 4 stars; one submission).

Submission:

Labcorp Genetics (formerly Invitae), Labcorp
Classification: Uncertain significance. Last evaluated: 2023-12-06. Review status: criteria provided, single submitter. Criteria: Invitae Variant Classification Sherloc (09022015). Collection method: clinical testing. Allele origin: germline.
Comment: This sequence change replaces glutamic acid, which is acidic and polar, with valine, which is neutral and non-polar, at codon 3665 of the KMT2A protein (p.Glu3665Val). This variant is not present in population databases (gnomAD no frequency). This variant has not been reported in the literature in individuals affected with KMT2A-related conditions. Advanced modeling of protein sequence and biophysical properties (such as structural, functional, and spatial information, amino acid conservation, physicochemical variation, residue mobility, and thermodynamic stability) performed at Invitae indicates that this missense variant is not expected to disrupt KMT2A protein function with a negative predictive value of 95%. In summary, the available evidence is currently insufficient to determine the role of this variant in disease. Therefore, it has been classified as a Variant of Uncertain Significance.